The following is an entry in ClinVar:

ClinVar aggregate classification (germline): Likely benign (0 of 4 stars; one submission).

Conditions:
CACNB4-related disorder. Also called: CACNB4-Related Disorders; CACNB4-related condition.

gnomAD v4.1: 9 of 702,860 alleles (0.0013%); highest among the groups gnomAD compares: East Asian, 0.0027%; no homozygotes.

Submission:

PreventionGenetics, part of Exact Sciences
Classification: Likely benign for CACNB4-related condition. Last evaluated: 2019-09-10. Review status: no assertion criteria provided. Collection method: clinical testing. Allele origin: germline.
Comment: This variant is classified as likely benign based on ACMG/AMP sequence variant interpretation guidelines (Richards et al. 2015 PMID: 25741868, with internal and published modifications).

NM_000726.5(CACNB4):c.148-88166G>C

Gene: CACNB4 (calcium voltage-gated channel auxiliary subunit beta 4; minus strand). Cytogenetic location: 2q23.3.
Variant type: single nucleotide variant.
Coding change: c.148-88166G>C on transcript NM_000726.5 (MANE Select); 88166 bases into the intron before coding-DNA position 148, G replaced by C.
Molecular consequence: intron variant.
Genome position (GRCh38, 1-based): chr2:151,971,536, C>G on the plus strand (G>C on the coding strand, the complement: CACNB4 is on the minus strand). VCF-style: chr2-151971536-C-G. GRCh37 (hg19) VCF-style: chr2-152828050-C-G.
Other names: c.148-88166G>C (NM_001145798.2); c.94-88166G>C (NM_001330113.2, NM_001005746.4); c.45+2133G>C (NM_001330115.2, NM_001005747.4); c.6+9G>C (NM_001330116.2, NM_001320722.3, NM_001330118.1); c.-488+9G>C (NM_001330114.2); c.-558+9G>C (NM_001330117.2).
Identifiers: ClinVar variation 3040559 (VCV003040559.2), dbSNP rs1044229512, ClinGen allele CA58527406.
Genomic context (GRCh38, chr2:151,971,536, plus strand): 5'-CTTTCCACGCCTATCCACCAGACCTGTTCCGAGAGCTCTGCTTCCATCTGGACAACCCCC[C>G]ACACTTACAGCCATAAATGCATTGGCACTGAGAAAGACTGCTGAGGAGGTGGCACTCCAG-3'